The following is an entry in ClinVar:

NM_000384.3(APOB):c.2849C>T (p.Thr950Met)

Gene: APOB (apolipoprotein B; minus strand). Cytogenetic location: 2p24.1.
Variant type: single nucleotide variant.
Coding change: c.2849C>T on transcript NM_000384.3 (MANE Select); coding-DNA position 2849, C replaced by T.
Protein change: p.Thr950Met; replaces threonine 950 with methionine.
Molecular consequence: missense variant.
Genome position (GRCh38, 1-based): chr2:21,019,873, G>A on the plus strand (C>T on the coding strand, the complement: APOB is on the minus strand). VCF-style: chr2-21019873-G-A. GRCh37 (hg19) VCF-style: chr2-21242745-G-A.
Other names: short protein forms T950M.
Identifiers: ClinVar variation 574409 (VCV000574409.26), dbSNP rs187506285, ClinGen allele CA057376.
Genomic context (GRCh38, chr2:21,019,873, plus strand): 5'-AAGACTTGCTTGCAAACTGACCAGGACTGCCTGTTCTCAATGAGAGGTGGGATCACCTCC[G>A]TTTTGGTGGTAGAGACCAAATGTAATGTGTTGCTGGTGAAGAACAAAAATACCTGAGTTA-3'
Protein context (NP_000375.3, residues 940-960): NTLHLVSTTK[Thr950Met]EVIPPLIENR

ClinVar aggregate classification (germline): Conflicting classifications of pathogenicity. Review status: criteria provided, conflicting classifications (1 of 4 stars). 4 submissions from 4 submitters: Uncertain significance (2); Likely benign (1). 1 of the submissions does not count toward it. Last evaluated 2025-10-26.

Conditions:
Cardiovascular phenotype. Identifiers: MedGen CN230736.
APOB-related disorder. Also called: APOB-related condition; APOB-related disorders.
Hypercholesterolemia, autosomal dominant, type B (FHCL2). Also called: Hyperlipoproteinemia Type IIb; Familial Hypercholesterolemia Type B; APOLIPOPROTEIN B-100, FAMILIAL DEFECTIVE; APOLIPOPROTEIN B-100, FAMILIAL LIGAND-DEFECTIVE; Familial hypercholesterolemia 2; APOB-Related Familial Hypercholesterolemia, Autosomal Dominant. Identifiers: MedGen C1704417, MONDO:0007751, OMIM 144010.
Familial hypobetalipoproteinemia 1. Also called: Hypobetalipoproteinemia, normotriglyceridemic; Acanthocytosis with hypobetalipoproteinemia; APOB-Related Familial Hypobetalipoproteinemia. Identifiers: MedGen C4551990, MONDO:0014252, OMIM 615558.

Allele frequency attached by ClinVar (database versions not stated): gnomAD 0.00001 and 0.00003; ExAC 0.00002; gnomAD exomes 0.00002 and 0.00003; TOPMed 0.00004; 1000 Genomes Project 30x 0.00016; 1000 Genomes Project 0.00020.
gnomAD v4.1: 40 of 1,614,130 alleles (0.0025%); highest among the groups gnomAD compares: Admixed American, 0.0067%; no homozygotes.

Submissions (4):

Labcorp Genetics (formerly Invitae), Labcorp
Classification: Likely benign for Familial hypobetalipoproteinemia 1; Hypercholesterolemia, autosomal dominant, type B. Last evaluated: 2025-10-26. Review status: criteria provided, single submitter. Criteria: Invitae Variant Classification Sherloc (09022015). Collection method: clinical testing. Allele origin: germline.

Ambry Genetics
Classification: Uncertain significance for Cardiovascular phenotype. Last evaluated: 2024-02-01. Review status: criteria provided, single submitter. Criteria: Ambry Variant Classification Scheme 2023. Collection method: clinical testing. Allele origin: germline.
Comment: The p.T950M variant (also known as c.2849C>T), located in coding exon 19 of the APOB gene, results from a C to T substitution at nucleotide position 2849. The threonine at codon 950 is replaced by methionine, an amino acid with similar properties. This amino acid position is not well conserved in available vertebrate species. In addition, this alteration is predicted to be tolerated by in silico analysis. Since supporting evidence is limited at this time, the clinical significance of this alteration remains unclear.

Fulgent Genetics
Classification: Uncertain significance for Hypercholesterolemia, autosomal dominant, type B; Familial hypobetalipoproteinemia 1. Last evaluated: 2021-09-13. Review status: criteria provided, single submitter. Criteria: ACMG Guidelines, 2015. Collection method: clinical testing. Allele origin: unknown.

PreventionGenetics, part of Exact Sciences
Classification: Uncertain significance for APOB-related condition. Last evaluated: 2024-09-10. Review status: no assertion criteria provided. Collection method: clinical testing. Allele origin: germline. Not counted in ClinVar's aggregate classification.
Comment: The APOB c.2849C>T variant is predicted to result in the amino acid substitution p.Thr950Met. This variant has been reported in an individual with Hypercholesterolemia (Table S3, Schwaninger et al. 2023. PubMed ID: 37417318). This variant is reported in 0.012% of alleles in individuals of Latino descent in gnomAD. At this time, the clinical significance of this variant is uncertain due to the absence of conclusive functional and genetic evidence.